The following is an entry in ClinVar:

NM_000067.3(CA2):c.188_193del (p.Gly63_His64del)

Gene: CA2 (carbonic anhydrase 2; plus strand). Cytogenetic location: 8q21.2.
Variant type: Deletion.
Coding change: c.188_193del on transcript NM_000067.3 (MANE Select); coding-DNA positions 188 to 193, 6 bases deleted (GTCATG; older notation c.188_193delGTCATG).
Protein change: p.Gly63_His64del.
Molecular consequence: inframe deletion. On other transcripts: initiator codon variant (1).
Genome position (GRCh38, 1-based): chr8:85,465,425-85,465,430, GTCATG deleted; deleting any 6 consecutive bases within chr8:85,465,422-85,465,430 gives the same sequence; the c. name uses the placement nearest the transcript's 3' end. VCF-style (leftmost placement, unchanged base first): chr8-85465421-AATGGTC-A. GRCh37 (hg19) VCF-style: chr8-86377650-AATGGTC-A.
Other names: c.4_9del, p.Val2_Met3del (NM_001293675.2).
Identifiers: ClinVar variation 2750525 (VCV002750525.3), dbSNP rs2536478908, ClinGen allele CA2697549973.

ClinVar aggregate classification (germline): Uncertain significance (1 of 4 stars; one submission).

Submission:

Labcorp Genetics (formerly Invitae), Labcorp
Classification: Uncertain significance. Last evaluated: 2023-08-05. Review status: criteria provided, single submitter. Criteria: Invitae Variant Classification Sherloc (09022015). Collection method: clinical testing. Allele origin: germline.
Comment: This variant, c.188_193del, results in the deletion of 2 amino acid(s) of the CA2 protein (p.Gly63_His64del), but otherwise preserves the integrity of the reading frame. This variant is not present in population databases (gnomAD no frequency). This variant has not been reported in the literature in individuals affected with CA2-related conditions. Experimental studies and prediction algorithms are not available or were not evaluated, and the functional significance of this variant is currently unknown. In summary, the available evidence is currently insufficient to determine the role of this variant in disease. Therefore, it has been classified as a Variant of Uncertain Significance.